The following is an entry in ClinVar:

NM_015378.4(VPS13D):c.11594C>T (p.Ala3865Val)

Gene: VPS13D (vacuolar protein sorting 13 homolog D; plus strand). Cytogenetic location: 1p36.22.
Variant type: single nucleotide variant.
Coding change: c.11594C>T on transcript NM_015378.4 (MANE Select); coding-DNA position 11594, C replaced by T.
Protein change: p.Ala3865Val; replaces alanine 3865 with valine.
Molecular consequence: missense variant.
Genome position (GRCh38, 1-based): chr1:12,386,294, C>T. VCF-style: chr1-12386294-C-T. GRCh37 (hg19) VCF-style: chr1-12446353-C-T.
Other names: p.Ala3865Val; c.11519C>T, p.Ala3840Val (NM_018156.4); short protein forms A3840V, A3865V.
Identifiers: ClinVar variation 3379385 (VCV003379385.1).

ClinVar aggregate classification (germline): Uncertain significance (1 of 4 stars; one submission).

gnomAD v4.1: 7 of 1,612,016 alleles (0.00043%); highest among the groups gnomAD compares: African/African-American, 0.0027%; no homozygotes.

Submission:

Mayo Clinic Laboratories, Mayo Clinic
Classification: Uncertain significance. Last evaluated: 2024-03-11. Review status: criteria provided, single submitter. Criteria: ACMG Guidelines, 2015. Collection method: clinical testing. Allele origin: germline. Observed: 1 variant allele.
Comment: BP4, PM2